The following is an entry in ClinVar:

NM_005055.5(RAPSN):c.-72C>T

Gene: RAPSN (receptor associated protein of the synapse; minus strand). Cytogenetic location: 11p11.2.
Variant type: single nucleotide variant.
Coding change: c.-72C>T on transcript NM_005055.5 (MANE Select); 72 bases upstream of the start codon, C replaced by T.
Molecular consequence: 5 prime UTR variant.
Genome position (GRCh38, 1-based): chr11:47,449,036, G>A on the plus strand (C>T on the coding strand, the complement: RAPSN is on the minus strand). VCF-style: chr11-47449036-G-A. GRCh37 (hg19) VCF-style: chr11-47470588-G-A.
Other names: c.-72C>T (NM_032645.5).
Identifiers: ClinVar variation 304983 (VCV000304983.6), dbSNP rs117947983, ClinGen allele CA10635053.

ClinVar aggregate classification (germline): Likely benign. Review status: criteria provided, multiple submitters, no conflicts (2 of 4 stars). 3 submissions from 2 submitters: Likely benign (3). Last evaluated 2018-01-13.

Conditions:
Congenital myasthenic syndrome 11. Also called: MYASTHENIC SYNDROME, CONGENITAL, Ie; Myasthenic syndrome, congenital, 11, associated with acetylcholine receptor deficiency. Identifiers: Orphanet 590, MedGen C4225367, MONDO:0014588, OMIM 616326.
Fetal akinesia deformation sequence 1 (FADS1). Also called: Pena-Shokeir syndrome type I; Fetal akinesia sequence. Identifiers: Orphanet 994, MedGen C1276035, MONDO:0100101, OMIM 208150, HP:0001989.

Allele frequency attached by ClinVar (database versions not stated): 1000 Genomes Project 0.00559; 1000 Genomes Project 30x 0.00609; gnomAD 0.00803 and 0.00808; TOPMed 0.00888; gnomAD exomes 0.01085.

Submissions (3):

Illumina Laboratory Services, Illumina
Classification: Likely benign for Fetal akinesia deformation sequence 1. Last evaluated: 2018-01-13. Review status: criteria provided, single submitter. Criteria: ICSL Variant Classification Criteria 13 December 2019. Collection method: clinical testing. Allele origin: germline.
Comment: This variant was observed in the ICSL laboratory as part of a predisposition screen in an ostensibly healthy population. It had not been previously curated by ICSL or reported in the Human Gene Mutation Database (HGMD: prior to June 1st, 2018), and was therefore a candidate for classification through an automated scoring system. Utilizing variant allele frequency, disease prevalence and penetrance estimates, and inheritance mode, an automated score was calculated to assess if this variant is too frequent to cause the disease. Based on the score and internal cut-off values, a variant classified as likely benign is not then subjected to further curation. The score for this variant resulted in a classification of likely benign for this disease.

Illumina Laboratory Services, Illumina
Classification: Likely benign for Congenital myasthenic syndrome 11. Last evaluated: 2018-01-13. Review status: criteria provided, single submitter. Criteria: ICSL Variant Classification Criteria 13 December 2019. Collection method: clinical testing. Allele origin: germline.
Comment: the same text as in the submission from Illumina Laboratory Services, Illumina above.

Breakthrough Genomics
Classification: Likely benign. Review status: criteria provided, single submitter. Criteria: ACMG Guidelines, 2015. Collection method: not provided. Allele origin: germline. Inheritance: Autosomal recessive inheritance. Affected: yes.